The following is an entry in ClinVar:

NM_002905.5(RDH5):c.625C>T (p.Arg209Ter)

Genes: BLOC1S1-RDH5 (BLOC1S1-RDH5 readthrough; plus strand), CD63 (CD63 molecule; minus strand), RDH5 (retinol dehydrogenase 5; plus strand). Cytogenetic location: 12q13.2.
Variant type: single nucleotide variant.
Coding change: c.625C>T on transcript NM_002905.5 (MANE Select); coding-DNA position 625, C replaced by T.
Protein change: p.Arg209Ter; replaces arginine 209 with a stop codon.
Molecular consequence: nonsense. On other transcripts: non-coding transcript variant (1).
Genome position (GRCh38, 1-based): chr12:55,723,941, C>T. VCF-style: chr12-55723941-C-T. GRCh37 (hg19) VCF-style: chr12-56117725-C-T.
Other names: c.625C>T, p.Arg209Ter (NM_001199771.3); short protein forms R209*.
Identifiers: ClinVar variation 866580 (VCV000866580.13), dbSNP rs375135224, ClinGen allele CA6616898.
Genomic context (GRCh38, chr12:55,723,941, plus strand): 5'-TCTAGGCGGGATGTAGCTCATTTTGGGATACGAGTCTCCATCGTGGAGCCTGGCTTCTTC[C>T]GAACCCCTGTGACCAACCTGGAGAGTCTGGAGAAAACCCTGCAGGCCTGCTGGGCACGGC-3'

ClinVar aggregate classification (germline): Pathogenic. Review status: criteria provided, multiple submitters, no conflicts (2 of 4 stars). 4 submissions from 4 submitters: Pathogenic (4). Last evaluated 2026-07-14.

Conditions:
RDH5-related disorder. Also called: RDH5-related condition.
Pigmentary retinal dystrophy. Also called: Fundus albipunctatus. Identifiers: Orphanet 227796, Orphanet 52427, MedGen C0311338, MONDO:0007639, OMIM 136880, HP:0030642.

Allele frequency attached by ClinVar (database versions not stated): gnomAD 0.00003; gnomAD exomes 0.00003 and 0.00004; TOPMed 0.00004; ExAC 0.00005; ESP Exome Variant Server 0.00015.
gnomAD v4.1: 53 of 1,614,020 alleles (0.0033%); highest among the groups gnomAD compares: Admixed American, 0.012%; no homozygotes.

Submissions (4):

PreventionGenetics, part of Exact Sciences
Classification: Pathogenic for RDH5-related condition. Last evaluated: 2026-07-14. Review status: criteria provided, single submitter. Criteria: ACMG Guidelines, 2015. Collection method: clinical testing. Allele origin: germline.
Comment: The RDH5 c.625C>T variant is predicted to result in premature protein termination (p.Arg209*). This variant has been reported to be causative for autosomal recessive fundus albipunctatus (Schatz et al. 2010. PubMed ID: 20829743; Chen et al. 2013. PubMed ID: 23462753; Martin-Merida et al. 2018. PubMed ID: 29847639). This variant is present in 0.0085% of alleles in individuals of Latino descent in gnomAD. Nonsense variants in RDH5 are an established mechanism of disease. This variant is interpreted as pathogenic.

Labcorp Genetics (formerly Invitae), Labcorp
Classification: Pathogenic. Last evaluated: 2026-01-19. Review status: criteria provided, single submitter. Criteria: Invitae Variant Classification Sherloc (09022015). Collection method: clinical testing. Allele origin: germline.
Comment: This sequence change creates a premature translational stop signal (p.Arg209*) in the RDH5 gene. It is expected to result in an absent or disrupted protein product. Loss-of-function variants in RDH5 are known to be pathogenic (PMID: 11675386, 22815624). This variant is present in population databases (rs375135224, gnomAD 0.01%). This premature translational stop signal has been observed in individuals with clinical features of fundus albipunctatus (PMID: 20829743, 23462753, 29847639). ClinVar contains an entry for this variant (Variation ID: 866580). Algorithms developed to predict the effect of sequence changes on RNA splicing suggest that this variant may disrupt the consensus splice site. For these reasons, this variant has been classified as Pathogenic.

Blueprint Genetics
Classification: Pathogenic for RDH5-related disorders. Last evaluated: 2024-09-23. Review status: criteria provided, single submitter. Criteria: ACMG Guidelines, 2015. Collection method: clinical testing. Allele origin: germline. Affected: yes. Observed: 5 variant alleles.

Fulgent Genetics
Classification: Pathogenic for Pigmentary retinal dystrophy. Last evaluated: 2024-03-23. Review status: criteria provided, single submitter. Criteria: ACMG Guidelines, 2015. Collection method: clinical testing. Allele origin: germline.

Literature cited by the submitters: PubMed 11675386 (cited by Labcorp Genetics (formerly Invitae), Labcorp); PubMed 22815624 (cited by Labcorp Genetics (formerly Invitae), Labcorp); PubMed 20829743 (cited by Labcorp Genetics (formerly Invitae), Labcorp); PubMed 23462753 (cited by Labcorp Genetics (formerly Invitae), Labcorp); PubMed 29847639 (cited by Labcorp Genetics (formerly Invitae), Labcorp).